The following is an entry in ClinVar:

NM_000482.4(APOA4):c.514G>A (p.Ala172Thr)

Gene: APOA4 (apolipoprotein A4; minus strand). Cytogenetic location: 11q23.3.
Variant type: single nucleotide variant.
Coding change: c.514G>A on transcript NM_000482.4 (MANE Select); coding-DNA position 514, G replaced by A.
Protein change: p.Ala172Thr; replaces alanine 172 with threonine.
Molecular consequence: missense variant.
Genome position (GRCh38, 1-based): chr11:116,821,544, C>T on the plus strand (G>A on the coding strand, the complement: APOA4 is on the minus strand). VCF-style: chr11-116821544-C-T. GRCh37 (hg19) VCF-style: chr11-116692260-C-T.
Other names: short protein forms A172T.
Identifiers: ClinVar variation 2393855 (VCV002393855.5), dbSNP rs148364897, ClinGen allele CA6289398.

ClinVar aggregate classification (germline): Uncertain significance. Review status: criteria provided, multiple submitters, no conflicts (2 of 4 stars). 2 submissions from 2 submitters: Uncertain significance (2). Last evaluated 2025-12-19.

Allele frequency attached by ClinVar (database versions not stated): ESP Exome Variant Server 0.00008; gnomAD exomes 0.00003; ExAC 0.00005; gnomAD 0.00006.
gnomAD v4.1: 60 of 1,612,510 alleles (0.0037%); highest among the groups gnomAD compares: Admixed American, 0.015%; no homozygotes.

Submissions (2):

Labcorp Genetics (formerly Invitae), Labcorp
Classification: Uncertain significance. Last evaluated: 2025-12-19. Review status: criteria provided, single submitter. Criteria: Invitae Variant Classification Sherloc (09022015). Collection method: clinical testing. Allele origin: germline.
Comment: This sequence change replaces alanine, which is neutral and non-polar, with threonine, which is neutral and polar, at codon 172 of the APOA4 protein (p.Ala172Thr). This variant is present in population databases (rs148364897, gnomAD 0.02%). This missense change has been observed in individual(s) with APOA4-related conditions (PMID: 36325899). ClinVar contains an entry for this variant (Variation ID: 2393855). Invitae Evidence Modeling of protein sequence and biophysical properties (such as structural, functional, and spatial information, amino acid conservation, physicochemical variation, residue mobility, and thermodynamic stability) indicates that this missense variant is not expected to disrupt APOA4 protein function with a negative predictive value of 80%. In summary, the available evidence is currently insufficient to determine the role of this variant in disease. Therefore, it has been classified as a Variant of Uncertain Significance.

Ambry Genetics
Classification: Uncertain significance. Last evaluated: 2025-03-10. Review status: criteria provided, single submitter. Criteria: Ambry Variant Classification Scheme 2023. Collection method: clinical testing. Allele origin: germline.

Literature cited by the submitters: PubMed 36325899 (cited by Labcorp Genetics (formerly Invitae), Labcorp).